The following is an entry in ClinVar:

NM_016204.4(GDF2):c.1230G>T (p.Gly410=)

Gene: GDF2 (growth differentiation factor 2; plus strand). Cytogenetic location: 10q11.22.
Variant type: single nucleotide variant.
Coding change: c.1230G>T on transcript NM_016204.4 (MANE Select); coding-DNA position 1230, G replaced by T.
Protein change: p.Gly410=; no amino-acid change (glycine 410 retained).
Molecular consequence: synonymous variant.
Genome position (GRCh38, 1-based): chr10:47,325,724, G>T. VCF-style: chr10-47325724-G-T. GRCh37 (hg19) VCF-style: chr10-48413638-C-A.
Other names: c.1230G>T (NM_016204.3).
Identifiers: ClinVar variation 2497628 (VCV002497628.5), dbSNP rs782279614, ClinGen allele CA5487923.

ClinVar aggregate classification (germline): Likely benign. Review status: criteria provided, multiple submitters, no conflicts (2 of 4 stars). 3 submissions from 3 submitters: Likely benign (2). 1 of the submissions does not count toward it. Last evaluated 2024-07-29.

Conditions:
GDF2-related disorder. Also called: GDF2-related condition.
Telangiectasia, hereditary hemorrhagic, type 5 (HHT5). Identifiers: Orphanet 774, MedGen C3809710, MONDO:0014217, OMIM 615506.
Cardiovascular phenotype. Identifiers: MedGen CN230736.

Allele frequency attached by ClinVar (database versions not stated): ExAC 0.00001; gnomAD 0.00002; TOPMed 0.00002.

Submissions (3):

ARUP Laboratories, Molecular Genetics and Genomics, ARUP Laboratories
Classification: Likely benign for Telangiectasia, hereditary hemorrhagic, type 5. Last evaluated: 2024-07-29. Review status: criteria provided, single submitter. Criteria: ARUP Molecular Germline Variant Investigation Process 2024. Collection method: clinical testing. Allele origin: germline.

Ambry Genetics
Classification: Likely benign for Cardiovascular phenotype. Last evaluated: 2023-02-27. Review status: criteria provided, single submitter. Criteria: Ambry Variant Classification Scheme 2023. Collection method: clinical testing. Allele origin: germline.

PreventionGenetics, part of Exact Sciences
Classification: Likely benign for GDF2-related condition. Last evaluated: 2019-05-24. Review status: no assertion criteria provided. Collection method: clinical testing. Allele origin: germline. Not counted in ClinVar's aggregate classification.
Comment: This variant is classified as likely benign based on ACMG/AMP sequence variant interpretation guidelines (Richards et al. 2015 PMID: 25741868, with internal and published modifications).